The following is an entry in ClinVar:

ClinVar aggregate classification (germline): Likely benign (0 of 4 stars; one submission).

Conditions:
TET1-related disorder. Also called: TET1-related condition.

Allele frequency attached by ClinVar (database versions not stated): ESP Exome Variant Server 0.00008; TOPMed 0.00014; 1000 Genomes Project 30x 0.00031; 1000 Genomes Project 0.00040.
gnomAD v4.1: 477 of 1,614,124 alleles (0.03%); highest among the groups gnomAD compares: Non-Finnish European, 0.039%; 1 homozygote.

Submission:

PreventionGenetics, part of Exact Sciences
Classification: Likely benign for TET1-related condition. Last evaluated: 2019-08-20. Review status: no assertion criteria provided. Collection method: clinical testing. Allele origin: germline.
Comment: This variant is classified as likely benign based on ACMG/AMP sequence variant interpretation guidelines (Richards et al. 2015 PMID: 25741868, with internal and published modifications).

NM_030625.3(TET1):c.5496G>A (p.Ser1832=)

Gene: TET1 (tet methylcytosine dioxygenase 1; plus strand). Cytogenetic location: 10q21.3.
Variant type: single nucleotide variant.
Coding change: c.5496G>A on transcript NM_030625.3 (MANE Select); coding-DNA position 5496, G replaced by A.
Protein change: p.Ser1832=; no amino-acid change (serine 1832 retained).
Molecular consequence: synonymous variant.
Genome position (GRCh38, 1-based): chr10:68,690,899, G>A. VCF-style: chr10-68690899-G-A. GRCh37 (hg19) VCF-style: chr10-70450656-G-A.
Other names: c.5583G>A, p.Ser1861= (NM_001406365.1); c.3672G>A, p.Ser1224= (NM_001406367.1); c.3570G>A, p.Ser1190= (NM_001406368.1, NM_001406369.1, NM_001406370.1); c.3483G>A, p.Ser1161= (NM_001406371.1, NM_001406372.1); c.3090G>A, p.Ser1030= (NM_001406373.1); c.3003G>A, p.Ser1001= (NM_001406374.1); c.1227G>A, p.Ser409= (NM_001406375.1); c.1140G>A, p.Ser380= (NM_001406376.1).
Identifiers: ClinVar variation 3052926 (VCV003052926.2), dbSNP rs189138926, ClinGen allele CA5526887.
Genomic context (GRCh38, chr10:68,690,899, plus strand): 5'-AAAAAGTGAAACCGAACCCCATTTTATCTTAAAAAGTTCAGACAACACTAAAACTTATTC[G>A]CTGATGCCATCCGCTCCTCACCCAGTGAAAGAGGCATCTCCAGGCTTCTCCTGGTCCCCG-3'
Protein context (NP_085128.2, residues 1822-1842): LKSSDNTKTY[Ser1832=]LMPSAPHPVK